The following is an entry in ClinVar:

ClinVar aggregate classification (germline): Uncertain significance. Review status: criteria provided, multiple submitters, no conflicts (2 of 4 stars). 2 submissions from 2 submitters: Uncertain significance (2). Last evaluated 2024-12-25.

Conditions:
Inborn genetic diseases. Identifiers: MedGen C0950123, MeSH D030342.
Fanconi-Bickel syndrome (FBS). Also called: Glycogen storage disease due to GLUT2 deficiency; FANCONI SYNDROME WITH INTESTINAL MALABSORPTION AND GALACTOSE INTOLERANCE; HEPATIC GLYCOGENOSIS WITH AMINO ACIDURIA AND GLUCOSURIA; HEPATIC GLYCOGENOSIS WITH FANCONI NEPHROPATHY; HEPATORENAL GLYCOGENOSIS WITH RENAL FANCONI SYNDROME; PSEUDO-PHLORIZIN DIABETES. Identifiers: Orphanet 2088, MedGen C3495427, MONDO:0009216, OMIM 227810.

Allele frequency attached by ClinVar (database versions not stated): gnomAD 0.00001; ExAC 0.00002; TOPMed 0.00003.
gnomAD v4.1: 12 of 1,612,580 alleles (0.00074%); highest among the groups gnomAD compares: Admixed American, 0.01%; no homozygotes.

Submissions (2):

Ambry Genetics
Classification: Uncertain significance for Inborn genetic diseases. Last evaluated: 2024-12-25. Review status: criteria provided, single submitter. Criteria: Ambry Variant Classification Scheme 2023. Collection method: clinical testing. Allele origin: germline.

Labcorp Genetics (formerly Invitae), Labcorp
Classification: Uncertain significance for Fanconi-Bickel syndrome. Last evaluated: 2022-06-13. Review status: criteria provided, single submitter. Criteria: Invitae Variant Classification Sherloc (09022015). Collection method: clinical testing. Allele origin: germline.
Comment: This sequence change replaces histidine, which is basic and polar, with tyrosine, which is neutral and polar, at codon 44 of the SLC2A2 protein (p.His44Tyr). This variant is present in population databases (rs760618624, gnomAD 0.02%). This variant has not been reported in the literature in individuals affected with SLC2A2-related conditions. Advanced modeling of protein sequence and biophysical properties (such as structural, functional, and spatial information, amino acid conservation, physicochemical variation, residue mobility, and thermodynamic stability) performed at Invitae indicates that this missense variant is not expected to disrupt SLC2A2 protein function. In summary, the available evidence is currently insufficient to determine the role of this variant in disease. Therefore, it has been classified as a Variant of Uncertain Significance.

NM_000340.2(SLC2A2):c.130C>T (p.His44Tyr)

Gene: SLC2A2 (solute carrier family 2 member 2; minus strand). Cytogenetic location: 3q26.2.
Variant type: single nucleotide variant.
Coding change: c.130C>T on transcript NM_000340.2 (MANE Select); coding-DNA position 130, C replaced by T.
Protein change: p.His44Tyr; replaces histidine 44 with tyrosine.
Molecular consequence: missense variant. On other transcripts: 5 prime UTR variant (1), intron variant (1).
Genome position (GRCh38, 1-based): chr3:171,014,710, G>A on the plus strand (C>T on the coding strand, the complement: SLC2A2 is on the minus strand). VCF-style: chr3-171014710-G-A. GRCh37 (hg19) VCF-style: chr3-170732499-G-A.
Other names: c.130C>T (NM_000340.1); c.-265C>T (NM_001278659.2); c.14+3821C>T (NM_001278658.2); short protein forms H44Y.
Identifiers: ClinVar variation 1944977 (VCV001944977.3), dbSNP rs760618624, ClinGen allele CA2702753.
Genomic context (GRCh38, chr3:171,014,710, plus strand): 5'-TACTGTTGATAACATAGTTGTTGATAGCTTTTCGGTCATCCAGTGGAACACCCAAAACAT[G>A]TCTATAGTGAGATATTATTACCTAGGAGATAAAGAAAAATAGCTTTACTATTTCAAACAT-3'
Protein context (NP_000331.1, residues 34-54): PQQVIISHYR[His44Tyr]VLGVPLDDRK